The following is an entry in ClinVar:

NM_000059.4(BRCA2):c.1265A>G (p.Asn422Ser)

Gene: BRCA2 (BRCA2 DNA repair associated; plus strand). Cytogenetic location: 13q13.1.
Variant type: single nucleotide variant.
Coding change: c.1265A>G on transcript NM_000059.4 (MANE Select); coding-DNA position 1265, A replaced by G.
Protein change: p.Asn422Ser; replaces asparagine 422 with serine.
Molecular consequence: missense variant. On other transcripts: non-coding transcript variant (1), intron variant (1).
Genome position (GRCh38, 1-based): chr13:32,332,743, A>G. VCF-style: chr13-32332743-A-G. GRCh37 (hg19) VCF-style: chr13-32906880-A-G.
Other names: c.1265A>G, p.Asn422Ser (NM_001406719.1, NM_001406720.1, NM_001406721.1); c.424+1713A>G (NM_001406722.1); short protein forms N422S.
Identifiers: ClinVar variation 2574185 (VCV002574185.1), dbSNP rs587782755, ClinGen allele CA387762347.

ClinVar aggregate classification (germline): Uncertain significance (1 of 4 stars; one submission).

gnomAD v4.1: 1 of 1,609,672 alleles (0.000062%); highest among the groups gnomAD compares: South Asian, 0.0011%; no homozygotes.

Submission:

GeneDx
Classification: Uncertain significance. Last evaluated: 2023-01-31. Review status: criteria provided, single submitter. Criteria: GeneDx Variant Classification Process June 2021. Collection method: clinical testing. Allele origin: germline. Affected: yes.
Comment: Not observed at significant frequency in large population cohorts (gnomAD); In silico analysis supports that this missense variant does not alter protein structure/function; Has not been previously published as pathogenic or benign to our knowledge; Also known as 1493A>G